The following is an entry in ClinVar:

NM_000455.5(STK11):c.1080C>T (p.Ile360=)

Genes: STK11 (serine/threonine kinase 11; plus strand), LOC130062899 (ATAC-STARR-seq lymphoblastoid active region 13597; plus strand). Cytogenetic location: 19p13.3.
Variant type: single nucleotide variant.
Coding change: c.1080C>T on transcript NM_000455.5 (MANE Select); coding-DNA position 1080, C replaced by T.
Protein change: p.Ile360=; no amino-acid change (isoleucine 360 retained).
Molecular consequence: synonymous variant.
Genome position (GRCh38, 1-based): chr19:1,223,144, C>T. VCF-style: chr19-1223144-C-T. GRCh37 (hg19) VCF-style: chr19-1223143-C-T.
Identifiers: ClinVar variation 1090943 (VCV001090943.12), dbSNP rs2145431392, ClinGen allele CA504707795.

ClinVar aggregate classification (germline): Conflicting classifications of pathogenicity. Review status: criteria provided, conflicting classifications (1 of 4 stars). 4 submissions from 4 submitters: Uncertain significance (1); Benign (1); Likely benign (2). Last evaluated 2025-07-09.

Conditions:
Hereditary cancer-predisposing syndrome. Also called: Tumor predisposition; Neoplastic Syndromes, Hereditary; Hereditary Cancer Syndrome; Hereditary neoplastic syndrome. Identifiers: Orphanet 140162, MedGen C0027672, MeSH D009386, MONDO:0015356.
Peutz-Jeghers syndrome (PJS). Also called: POLYPOSIS, HAMARTOMATOUS INTESTINAL; POLYPS-AND-SPOTS SYNDROME; Peutz-Jeghers polyposis; Periorificial lentiginosis syndrome. Identifiers: Orphanet 2869, MedGen C0031269, MeSH D010580, MONDO:0008280, OMIM 175200.

Allele frequency attached by ClinVar (database versions not stated): gnomAD exomes below 0.00001.
gnomAD v4.1: 2 of 1,611,574 alleles (0.00012%); highest among the groups gnomAD compares: South Asian, 0.0011%; no homozygotes.

Submissions (4):

Quest Diagnostics Nichols Institute San Juan Capistrano
Classification: Uncertain significance. Last evaluated: 2025-07-09. Review status: criteria provided, single submitter. Criteria: Quest Diagnostics criteria. Collection method: clinical testing. Allele origin: unknown.
Comment: The STK11 c.1080C>T (p.Ile360=) synonymous variant has not been reported in individuals with STK11-related conditions in the published literature. It also has not been reported in large, multi-ethnic general populations (Genome Aggregation Database). Analysis of this variant using software algorithms for the prediction of the effect of nucleotide changes on splicing yielded predictions that this variant does not affect STK11 mRNA splicing. Based on the available information, we are unable to determine the clinical significance of this variant.

Myriad Genetics, Inc.
Classification: Benign for Peutz-Jeghers syndrome. Last evaluated: 2025-03-28. Review status: criteria provided, single submitter. Criteria: Myriad Autosomal Dominant, Autosomal Recessive and X-Linked Classification Criteria (2023). Collection method: clinical testing. Allele origin: unknown.
Comment: This variant is considered benign. This variant is a silent/synonymous amino acid change and it is not expected to impact splicing.

Labcorp Genetics (formerly Invitae), Labcorp
Classification: Likely benign for Peutz-Jeghers syndrome. Last evaluated: 2023-07-17. Review status: criteria provided, single submitter. Criteria: Invitae Variant Classification Sherloc (09022015). Collection method: clinical testing. Allele origin: germline.

Ambry Genetics
Classification: Likely benign for Hereditary cancer-predisposing syndrome. Last evaluated: 2020-11-01. Review status: criteria provided, single submitter. Criteria: Ambry Variant Classification Scheme 2023. Collection method: clinical testing. Allele origin: germline.